The following is an entry in ClinVar:

ClinVar aggregate classification (germline): Uncertain significance (1 of 4 stars; one submission).

gnomAD v4.1: 1 of 1,612,670 alleles (0.000062%); highest among the groups gnomAD compares: Non-Finnish European, 0.000085%; no homozygotes.

Submission:

Dasa
Classification: Uncertain significance. Last evaluated: 2026-07-25. Review status: criteria provided, single submitter. Criteria: DASA Assertion Criteria. Collection method: clinical testing. Allele origin: germline.
Comment: NM_005998.5(CCT3):c.1406A>C (p.Lys469Thr) is a missense variant that results in the substitution of lysine with threonine. This variant is rare in population databases. The currently available literature and clinical evidence are not sufficient to establish a definitive association between this variant and the reported condition. Therefore, this variant is classified as a variant of uncertain significance.

NM_005998.5(CCT3):c.1406A>C (p.Lys469Thr)

Gene: CCT3 (chaperonin containing TCP1 subunit 3; minus strand). Cytogenetic location: 1q22.
Variant type: single nucleotide variant.
Coding change: c.1406A>C on transcript NM_005998.5 (MANE Select); coding-DNA position 1406, A replaced by C.
Protein change: p.Lys469Thr; replaces lysine 469 with threonine.
Molecular consequence: missense variant. On other transcripts: non-coding transcript variant (2).
Genome position (GRCh38, 1-based): chr1:156,310,685, T>G on the plus strand (A>C on the coding strand, the complement: CCT3 is on the minus strand). VCF-style: chr1-156310685-T-G. GRCh37 (hg19) VCF-style: chr1-156280476-T-G.
Other names: c.1292A>C, p.Lys431Thr (NM_001008800.3); short protein forms K431T, K469T.
Identifiers: ClinVar variation 5020122 (VCV005020122.1).
Genomic context (GRCh38, chr1:156,310,685, plus strand): 5'-TCCACCAAAGTACCCGTCTCACCATTTACACCCCAGGTCTCACAGTTCTCCTGGGTGTGC[T>G]TGGCCTGCAATTGAAGCAAGAAGTAAAGGGGAAAATAAGTTAACAGGAAACATCAGGTAA-3'
Protein context (NP_005989.3, residues 459-479): TIRLLTSLRA[Lys469Thr]HTQENCETWG